The following is an entry in ClinVar:

ClinVar aggregate classification (germline): Likely benign (0 of 4 stars; one submission).

Conditions:
COL4A4-related disorder.

Allele frequency attached by ClinVar (database versions not stated): gnomAD 0.00001; gnomAD exomes 0.00001; ExAC 0.00002.
gnomAD v4.1: 12 of 1,614,078 alleles (0.00074%); highest among the groups gnomAD compares: Middle Eastern, 0.016%; no homozygotes.

Submission:

PreventionGenetics, part of Exact Sciences
Classification: Likely benign for COL4A4-related condition. Last evaluated: 2023-08-30. Review status: no assertion criteria provided. Collection method: clinical testing. Allele origin: germline.
Comment: This variant is classified as likely benign based on ACMG/AMP sequence variant interpretation guidelines (Richards et al. 2015 PMID: 25741868, with internal and published modifications).

NM_000092.5(COL4A4):c.2310G>A (p.Pro770=)

Gene: COL4A4 (collagen type IV alpha 4 chain; minus strand). Cytogenetic location: 2q36.3.
Variant type: single nucleotide variant.
Coding change: c.2310G>A on transcript NM_000092.5 (MANE Select); coding-DNA position 2310, G replaced by A.
Protein change: p.Pro770=; no amino-acid change (proline 770 retained).
Molecular consequence: synonymous variant.
Genome position (GRCh38, 1-based): chr2:227,059,478, C>T on the plus strand (G>A on the coding strand, the complement: COL4A4 is on the minus strand). VCF-style: chr2-227059478-C-T. GRCh37 (hg19) VCF-style: chr2-227924194-C-T.
Identifiers: ClinVar variation 3055593 (VCV003055593.2), dbSNP rs750759538, ClinGen allele CA2144839.